The following is an entry in ClinVar:

ClinVar aggregate classification (germline): Uncertain significance (1 of 4 stars; one submission).

Conditions:
Nuclear pulverulent cataract (CTRCT2). Identifiers: MedGen C1852438, HP:0010698.

Submission:

Labcorp Genetics (formerly Invitae), Labcorp
Classification: Uncertain significance for Nuclear pulverulent cataract. Last evaluated: 2024-05-10. Review status: criteria provided, single submitter. Criteria: Invitae Variant Classification Sherloc (09022015). Collection method: clinical testing. Allele origin: germline.
Comment: This sequence change falls in intron 2 of the CRYGC gene. It does not directly change the encoded amino acid sequence of the CRYGC protein. This variant is present in population databases (rs144850837, gnomAD 0.006%). This variant has not been reported in the literature in individuals affected with CRYGC-related conditions. Algorithms developed to predict the effect of sequence changes on RNA splicing suggest that this variant may create or strengthen a splice site. In summary, the available evidence is currently insufficient to determine the role of this variant in disease. Therefore, it has been classified as a Variant of Uncertain Significance.

NM_020989.4(CRYGC):c.253-6G>A

Genes: CRYGC (crystallin gamma C; minus strand), LOC100507443 (uncharacterized LOC100507443; plus strand). Cytogenetic location: 2q33.3.
Variant type: single nucleotide variant.
Coding change: c.253-6G>A on transcript NM_020989.4 (MANE Select); 6 bases into the intron before coding-DNA position 253, G replaced by A.
Molecular consequence: intron variant.
Genome position (GRCh38, 1-based): chr2:208,128,481, C>T on the plus strand (G>A on the coding strand, the complement: CRYGC is on the minus strand). VCF-style: chr2-208128481-C-T. GRCh37 (hg19) VCF-style: chr2-208993205-C-T.
Identifiers: ClinVar variation 3634009 (VCV003634009.2).